The following is an entry in ClinVar:

NM_000038.6(APC):c.5367A>C (p.Val1789=)

Gene: APC (APC regulator of Wnt signaling pathway; plus strand). Cytogenetic location: 5q22.2.
Variant type: single nucleotide variant.
Coding change: c.5367A>C on transcript NM_000038.6 (MANE Select); coding-DNA position 5367, A replaced by C.
Protein change: p.Val1789=; no amino-acid change (valine 1789 retained).
Molecular consequence: synonymous variant. On other transcripts: non-coding transcript variant (2).
Genome position (GRCh38, 1-based): chr5:112,840,961, A>C. VCF-style: chr5-112840961-A-C. GRCh37 (hg19) VCF-style: chr5-112176658-A-C.
Other names: c.5367A>C, p.Val1789= (NM_001127510.3, NM_001354895.2, NM_001407450.1); c.5313A>C, p.Val1771= (NM_001127511.3); c.5421A>C, p.Val1807= (NM_001354896.2, NM_001407447.1, NM_001407448.1 and 1 more transcripts); c.5397A>C, p.Val1799= (NM_001354897.2); c.5292A>C, p.Val1764= (NM_001354898.2); c.5283A>C, p.Val1761= (NM_001354899.2); c.5244A>C, p.Val1748= (NM_001354900.2); c.5190A>C, p.Val1730= (NM_001354901.2, NM_001407453.1); and 11 more.
Identifiers: ClinVar variation 3254206 (VCV003254206.1), dbSNP rs1765934357.

ClinVar aggregate classification (germline): Benign (1 of 4 stars; one submission).

Conditions:
Familial adenomatous polyposis 1 (FAP1). Also called: FAMILIAL ADENOMATOUS POLYPOSIS 1, ATTENUATED; POLYPOSIS, ADENOMATOUS INTESTINAL. Identifiers: MedGen C2713442, MONDO:0021056, OMIM 175100. Disease mechanism: loss of function.

Allele frequency attached by ClinVar (database versions not stated): gnomAD exomes below 0.00001.
gnomAD v4.1: 1 of 1,613,266 alleles (0.000062%); highest among the groups gnomAD compares: East Asian, 0.0022%; no homozygotes.

Submission:

Myriad Genetics, Inc.
Classification: Benign for Familial adenomatous polyposis 1. Last evaluated: 2024-04-02. Review status: criteria provided, single submitter. Criteria: Myriad Autosomal Dominant, Autosomal Recessive and X-Linked Classification Criteria (2023). Collection method: clinical testing. Allele origin: unknown.
Comment: This variant is considered benign. This variant is a silent/synonymous amino acid change and it is not expected to impact splicing.